The following is an entry in ClinVar:

ClinVar aggregate classification (germline): Uncertain significance (1 of 4 stars; one submission).

Conditions:
MHC class I deficiency. Identifiers: Orphanet 34592, MedGen C6024714, MONDO:0011476.

Submission:

Labcorp Genetics (formerly Invitae), Labcorp
Classification: Uncertain significance for MHC class I deficiency 1. Last evaluated: 2020-06-16. Review status: criteria provided, single submitter. Criteria: Invitae Variant Classification Sherloc (09022015). Collection method: clinical testing. Allele origin: germline.
Comment: This variant is a gross deletion of the genomic region encompassing exon(s) 8 of the TAPBP gene. The 5' boundary is likely confined to intron 7. The 3' end of this event is unknown as it extends through the termination codon beyond the assayed region for this gene and may encompass additional genes. While this deletion is not anticipated to result in nonsense mediated decay, it is expected to create a truncated protein product or disrupt mRNA translation. This variant has not been reported in the literature in individuals with TAPBP-related conditions. Experimental studies and prediction algorithms are not available or were not evaluated, and the functional significance of this variant is currently unknown. In summary, the available evidence is currently insufficient to determine the role of this variant in disease. Therefore, it has been classified as a Variant of Uncertain Significance.

NC_000006.11:g.(?_33269517)_(33269568_?)del

Gene: TAPBP (TAP binding protein; minus strand). Cytogenetic location: 6p21.32.
Variant type: Deletion.
Identifiers: ClinVar variation 1015178 (VCV001015178.4).